The following is an entry in ClinVar:

ClinVar aggregate classification (germline): Pathogenic (1 of 4 stars; one submission).

Conditions:
Primary ciliary dyskinesia 3. Identifiers: Orphanet 244, MedGen C1837618, MONDO:0012085, OMIM 608644.

Submission:

Myriad Genetics, Inc.
Classification: Pathogenic for Primary ciliary dyskinesia 3. Last evaluated: 2024-05-14. Review status: criteria provided, single submitter. Criteria: Myriad Autosomal Dominant, Autosomal Recessive and X-Linked Classification Criteria (2023). Collection method: clinical testing. Allele origin: unknown.
Comment: NM_001369.2(DNAH5):c.4660G>T(E1554*) is expected to be pathogenic in the context of primary ciliary dyskinesia, DNAH5-related. This variant is predicted to lead to an abnormal or absent protein product due to the creation of a premature termination codon in DNAH5, a gene where loss-of-function variants are known to be pathogenic. Please note: this variant was assessed in the context of healthy population screening.

NM_001369.3(DNAH5):c.4660G>T (p.Glu1554Ter)

Genes: DNAH5 (dynein axonemal heavy chain 5; minus strand), DNAH5-AS1 (DNAH5 antisense RNA 1; plus strand). Cytogenetic location: 5p15.2.
Variant type: single nucleotide variant.
Coding change: c.4660G>T on transcript NM_001369.3 (MANE Select); coding-DNA position 4660, G replaced by T.
Protein change: p.Glu1554Ter; replaces glutamic acid 1554 with a stop codon.
Molecular consequence: nonsense.
Genome position (GRCh38, 1-based): chr5:13,862,684, C>A on the plus strand (G>T on the coding strand, the complement: DNAH5 is on the minus strand). VCF-style: chr5-13862684-C-A. GRCh37 (hg19) VCF-style: chr5-13862793-C-A.
Other names: short protein forms E1554*.
Identifiers: ClinVar variation 5013988 (VCV005013988.1).
Genomic context (GRCh38, chr5:13,862,684, plus strand): 5'-TCAAGAGGAGCTCTCCACGGGTTTTAAAGCTGCCGAAGGTGAATGTTTTATTGTCCCATT[C>A]ATTAATCACTTGCTTCAGCTTTTGCTCAATGTCTCTCTCTTTCACCGCACTGATACAGAT-3'